The following is an entry in ClinVar:

ClinVar aggregate classification (germline): Uncertain significance. Review status: criteria provided, multiple submitters, no conflicts (2 of 4 stars). 3 submissions from 3 submitters: Uncertain significance (3). Last evaluated 2025-06-06.

Conditions:
Classic or attenuated familial adenomatous polyposis. Identifiers: MedGen CN372698, MONDO:0021057.
Hereditary cancer-predisposing syndrome. Also called: Hereditary neoplastic syndrome; Neoplastic Syndromes, Hereditary; Hereditary Cancer Syndrome; Tumor predisposition. Identifiers: Orphanet 140162, MedGen C0027672, MeSH D009386, MONDO:0015356.
Familial adenomatous polyposis 1 (FAP1). Also called: POLYPOSIS, ADENOMATOUS INTESTINAL; FAMILIAL ADENOMATOUS POLYPOSIS 1, ATTENUATED. Identifiers: MedGen C2713442, MONDO:0021056, OMIM 175100. Disease mechanism: loss of function.

Submissions (3):

Ambry Genetics
Classification: Uncertain significance for Hereditary cancer-predisposing syndrome. Last evaluated: 2025-06-06. Review status: criteria provided, single submitter. Criteria: Ambry Variant Classification Scheme 2023. Collection method: clinical testing. Allele origin: germline.
Comment: The p.M2647R variant (also known as c.7940T>G), located in coding exon 15 of the APC gene, results from a T to G substitution at nucleotide position 7940. The methionine at codon 2647 is replaced by arginine, an amino acid with similar properties. This amino acid position is well conserved in available vertebrate species. In addition, in silico predictors for this gene do not accurately predict pathogenicity. Since supporting evidence is limited at this time, the clinical significance of this alteration remains unclear.

Labcorp Genetics (formerly Invitae), Labcorp
Classification: Uncertain significance for Familial adenomatous polyposis 1. Last evaluated: 2025-03-17. Review status: criteria provided, single submitter. Criteria: Invitae Variant Classification Sherloc (09022015). Collection method: clinical testing. Allele origin: germline.
Comment: This sequence change replaces methionine, which is neutral and non-polar, with arginine, which is basic and polar, at codon 2647 of the APC protein (p.Met2647Arg). This variant is not present in population databases (gnomAD no frequency). This variant has not been reported in the literature in individuals affected with APC-related conditions. ClinVar contains an entry for this variant (Variation ID: 658706). Invitae Evidence Modeling of protein sequence and biophysical properties (such as structural, functional, and spatial information, amino acid conservation, physicochemical variation, residue mobility, and thermodynamic stability) indicates that this missense variant is not expected to disrupt APC protein function with a negative predictive value of 95%. In summary, the available evidence is currently insufficient to determine the role of this variant in disease. Therefore, it has been classified as a Variant of Uncertain Significance.

All of Us Research Program, National Institutes of Health
Classification: Uncertain significance for Classic or attenuated familial adenomatous polyposis. Last evaluated: 2024-06-11. Review status: criteria provided, single submitter. Criteria: ACMG Guidelines, 2015. Collection method: clinical testing. Allele origin: germline. Inheritance: Autosomal dominant inheritance. Observed: 1 variant allele, 1 heterozygote.
Comment: This study involves interpretation of variants in research participants for the purpose of population health screening. Participant phenotype was not available at the time of variant classification. Additional details can be found in publication PMID: 35346344, PMCID: PMC8962531

NM_000038.6(APC):c.7940T>G (p.Met2647Arg)

Gene: APC (APC regulator of Wnt signaling pathway; plus strand). Cytogenetic location: 5q22.2.
Variant type: single nucleotide variant.
Coding change: c.7940T>G on transcript NM_000038.6 (MANE Select); coding-DNA position 7940, T replaced by G.
Protein change: p.Met2647Arg; replaces methionine 2647 with arginine.
Molecular consequence: missense variant.
Genome position (GRCh38, 1-based): chr5:112,843,534, T>G. VCF-style: chr5-112843534-T-G. GRCh37 (hg19) VCF-style: chr5-112179231-T-G.
Other names: c.7940T>G, p.Met2647Arg (NM_001127510.3, NM_001354895.2); c.7886T>G, p.Met2629Arg (NM_001127511.3); c.7994T>G, p.Met2665Arg (NM_001354896.2); c.7970T>G, p.Met2657Arg (NM_001354897.2); c.7865T>G, p.Met2622Arg (NM_001354898.2); c.7856T>G, p.Met2619Arg (NM_001354899.2); c.7817T>G, p.Met2606Arg (NM_001354900.2); c.7763T>G, p.Met2588Arg (NM_001354901.2); and 5 more; short protein forms M2546R, M2588R, M2606R, M2622R, M2657R, M2364R, M2487R, M2521R.
Identifiers: ClinVar variation 658706 (VCV000658706.17), dbSNP rs879047773, ClinGen allele CA16038575.
Genomic context (GRCh38, chr5:112,843,534, plus strand): 5'-CTCAGACCGTTTCCTCAGGTGCTACAAATGGTGCTGAATCAAAGACTCTAATTTATCAAA[T>G]GGCACCTGCTGTTTCTAAAACAGAGGATGTTTGGGTGAGAATTGAGGACTGTCCCATTAA-3'
Protein context (NP_000029.2, residues 2637-2657): GAESKTLIYQ[Met2647Arg]APAVSKTEDV